The following is an entry in ClinVar:

ClinVar aggregate classification (germline): Likely benign. Review status: criteria provided, multiple submitters, no conflicts (2 of 4 stars). 4 submissions from 4 submitters: Likely benign (3). 1 of the submissions does not count toward it. Last evaluated 2026-01-19.

Conditions:
GFM2-related disorder. Also called: GFM2-related condition.

Allele frequency attached by ClinVar (database versions not stated): gnomAD exomes 0.00004 and 0.00014; ExAC 0.00017; ESP Exome Variant Server 0.00054; gnomAD 0.00055 and 0.00061; TOPMed 0.00069.
gnomAD v4.1: 148 of 1,613,762 alleles (0.0092%); highest among the groups gnomAD compares: African/African-American, 0.16%; no homozygotes.

Submissions (4):

Labcorp Genetics (formerly Invitae), Labcorp
Classification: Likely benign. Last evaluated: 2026-01-19. Review status: criteria provided, single submitter. Criteria: Invitae Variant Classification Sherloc (09022015). Collection method: clinical testing. Allele origin: germline.

Blueprint Genetics
Classification: Likely benign. Last evaluated: 2021-09-08. Review status: criteria provided, single submitter. Criteria: ACMG Guidelines, 2015. Collection method: clinical testing. Allele origin: germline.

GeneDx
Classification: Likely benign. Last evaluated: 2021-01-19. Review status: criteria provided, single submitter. Criteria: GeneDx Variant Classification Process June 2021. Collection method: clinical testing. Allele origin: germline. Affected: yes.

PreventionGenetics, part of Exact Sciences
Classification: Likely benign for GFM2-related condition. Last evaluated: 2019-11-07. Review status: no assertion criteria provided. Collection method: clinical testing. Allele origin: germline. Not counted in ClinVar's aggregate classification.
Comment: This variant is classified as likely benign based on ACMG/AMP sequence variant interpretation guidelines (Richards et al. 2015 PMID: 25741868, with internal and published modifications).

NM_032380.5(GFM2):c.777G>A (p.Lys259=)

Gene: GFM2 (GTP dependent ribosome recycling factor mitochondrial 2; minus strand). Cytogenetic location: 5q13.3.
Variant type: single nucleotide variant.
Coding change: c.777G>A on transcript NM_032380.5 (MANE Select); coding-DNA position 777, G replaced by A.
Protein change: p.Lys259=; no amino-acid change (lysine 259 retained).
Molecular consequence: synonymous variant. On other transcripts: non-coding transcript variant (1).
Genome position (GRCh38, 1-based): chr5:74,745,750, C>T on the plus strand (G>A on the coding strand, the complement: GFM2 is on the minus strand). VCF-style: chr5-74745750-C-T. GRCh37 (hg19) VCF-style: chr5-74041575-C-T.
Other names: c.777G>A (NM_032380.4); c.873G>A, p.Lys291= (NM_001281302.2); c.777G>A, p.Lys259= (NM_170681.3, NM_170691.3).
Identifiers: ClinVar variation 377925 (VCV000377925.14), dbSNP rs141864707, ClinGen allele CA3306695.
Genomic context (GRCh38, chr5:74,745,750, plus strand): 5'-GGCATTCCTTGCTTCAGTTGTTTCCTTCAGCAATTCAGGATCATTCATTTCCAAGAGGGG[C>T]TTTCTCTCAAAGTCTTTTCCATCATTTGAATTGCAATTCCAAAGAAGTTTTTCTTTCATT-3'
Protein context (NP_115756.2, residues 249-269): NSNDGKDFER[Lys259=]PLLEMNDPEL